The following is an entry in ClinVar:

ClinVar aggregate classification (germline): Uncertain significance. Review status: criteria provided, multiple submitters, no conflicts (2 of 4 stars). 4 submissions from 4 submitters: Uncertain significance (4). Last evaluated 2025-11-25.

Conditions:
Usher syndrome type 1F (USH1F). Also called: USHER SYNDROME, TYPE IF. Identifiers: Orphanet 231169, Orphanet 886, MedGen C1865885, MONDO:0011186, OMIM 602083.
PCDH15-related disorder. Also called: PCDH15-related disorders; PCDH15-related condition.

Allele frequency attached by ClinVar (database versions not stated): gnomAD 0.00002; TOPMed 0.00002; ExAC 0.00004; 1000 Genomes Project 30x 0.00016; 1000 Genomes Project 0.00020.
gnomAD v4.1: 69 of 1,613,782 alleles (0.0043%); highest among the groups gnomAD compares: South Asian, 0.0055%; no homozygotes.

Submissions (4):

Women's Health and Genetics/Laboratory Corporation of America, LabCorp
Classification: Uncertain significance. Last evaluated: 2025-11-25. Review status: criteria provided, single submitter. Criteria: LabCorp Variant Classification Summary - May 2015. Collection method: clinical testing. Allele origin: germline.
Comment: Variant summary: PCDH15 c.2624C>T (p.Ser875Leu) results in a non-conservative amino acid change located in the Cadherin-like domain (IPR002126) of the encoded protein sequence. Algorithms developed to predict the effect of missense changes on protein structure and function are either unavailable or do not agree on the potential impact of this missense change. The variant allele was found at a frequency of 4.4e-05 in 251266 control chromosomes. This frequency is not significantly higher than estimated for disease-causing variants in PCDH15, allowing no conclusion about variant significance. c.2624C>T has been reported in the literature as a compound heterozygous genotype in at-least one individuals affected with Usher Syndrome Type (example, Ellingford_2018, overlapping with Sheck_2021). These data do not allow any conclusion about variant significance. To our knowledge, no experimental evidence demonstrating an impact on protein function has been reported. The following publications have been ascertained in the context of this evaluation (PMID: 29074561, 33749171). ClinVar contains an entry for this variant (Variation ID: 2163741). Based on the evidence outlined above, the variant was classified as uncertain significance.

Labcorp Genetics (formerly Invitae), Labcorp
Classification: Uncertain significance. Last evaluated: 2024-04-06. Review status: criteria provided, single submitter. Criteria: Invitae Variant Classification Sherloc (09022015). Collection method: clinical testing. Allele origin: germline.
Comment: This sequence change replaces serine, which is neutral and polar, with leucine, which is neutral and non-polar, at codon 875 of the PCDH15 protein (p.Ser875Leu). This variant is present in population databases (rs201328768, gnomAD 0.01%). This missense change has been observed in individual(s) with inherited retinal disease and/or Usher syndrome (PMID: 29074561, 33749171). This variant is also known as c.2639C>T (p.Ser880Leu). ClinVar contains an entry for this variant (Variation ID: 2163741). Advanced modeling of protein sequence and biophysical properties (such as structural, functional, and spatial information, amino acid conservation, physicochemical variation, residue mobility, and thermodynamic stability) performed at Invitae indicates that this missense variant is not expected to disrupt PCDH15 protein function with a negative predictive value of 80%. In summary, the available evidence is currently insufficient to determine the role of this variant in disease. Therefore, it has been classified as a Variant of Uncertain Significance.

Broad Center for Mendelian Genomics, Broad Institute of MIT and Harvard
Classification: Uncertain significance for Usher syndrome type 1F. Last evaluated: 2023-01-24. Review status: criteria provided, single submitter. Criteria: ACMG Guidelines, 2015. Collection method: curation. Allele origin: germline. Inheritance: Autosomal recessive inheritance.
Comment: The p.Ser875Leu variant in PCDH15 has been reported in 1 individual, in the compound heterozygous state, with Usher syndrome type 1F (PMID: 29074561), and has been identified in 0.0098% (3/30608) of South Asian chromosomes by the Genome Aggregation Database (gnomAD; dbSNP ID: rs201328768). Although this variant has been seen in the general population in a heterozygous state, its frequency is low enough to be consistent with a recessive carrier frequency. Computational prediction tools, including splice predictors, and conservation analyses suggest that this variant may not impact the protein, though this information is not predictive enough to rule out pathogenicity. In summary, the clinical significance of the p.Ser875Leu variant is uncertain. ACMG/AMP Criteria applied: BP4, PM2_supporting (Richards 2015).

PreventionGenetics, part of Exact Sciences
Classification: Uncertain significance for PCDH15-related condition. Last evaluated: 2022-09-22. Review status: criteria provided, single submitter. Criteria: ACMG Guidelines, 2015. Collection method: clinical testing. Allele origin: germline.
Comment: The PCDH15 c.2624C>T variant is predicted to result in the amino acid substitution p.Ser875Leu. This variant has been reported in a patient with Usher syndrome along with a single exon deletion, although phase of the two variants was not determined (described as p.Ser880Leu, Table S5, Ellingford et al. 2018. PubMed ID: 29074561). This variant is reported in 0.0098% of alleles in individuals of South Asian descent in gnomAD. At this time, the clinical significance of this variant is uncertain due to the absence of conclusive functional and genetic evidence.

Literature cited by the submitters: PubMed 29074561 (cited by Women's Health and Genetics/Laboratory Corporation of America, LabCorp and Labcorp Genetics (formerly Invitae), Labcorp); PubMed 33749171 (cited by Women's Health and Genetics/Laboratory Corporation of America, LabCorp and Labcorp Genetics (formerly Invitae), Labcorp).

NM_001384140.1(PCDH15):c.2624C>T (p.Ser875Leu)

Gene: PCDH15 (protocadherin related 15; minus strand). Cytogenetic location: 10q21.1.
Variant type: single nucleotide variant.
Coding change: c.2624C>T on transcript NM_001384140.1 (MANE Select); coding-DNA position 2624, C replaced by T.
Protein change: p.Ser875Leu; replaces serine 875 with leucine.
Molecular consequence: missense variant.
Genome position (GRCh38, 1-based): chr10:54,020,319, G>A on the plus strand (C>T on the coding strand, the complement: PCDH15 is on the minus strand). VCF-style: chr10-54020319-G-A. GRCh37 (hg19) VCF-style: chr10-55780079-G-A.
Other names: NM_001384140.1:c.2624C>T; c.2639C>T, p.Ser880Leu (NM_001142763.2, NM_001142771.2); c.2624C>T, p.Ser875Leu (NM_001142764.2, NM_001142766.2, NM_001142770.3 and 5 more transcripts); c.2411C>T, p.Ser804Leu (NM_001142765.2); c.2513C>T, p.Ser838Leu (NM_001142767.2); c.2558C>T, p.Ser853Leu (NM_001142768.2, NM_001142773.2, NM_001354404.2); c.2660C>T, p.Ser887Leu (NM_001142769.4); c.2645C>T, p.Ser882Leu (NM_001354411.2); short protein forms S838L, S882L, S853L, S875L, S887L, S804L, S880L.
Identifiers: ClinVar variation 2163741 (VCV002163741.5), dbSNP rs201328768, ClinGen allele CA5505972.